The following is an entry in ClinVar:

NM_000523.4(HOXD13):c.186_212del (p.Ala63_Ala71del)

Gene: HOXD13 (homeobox D13; plus strand). Cytogenetic location: 2q31.1.
Variant type: Deletion.
Coding change: c.186_212del on transcript NM_000523.4 (MANE Select); coding-DNA positions 186 to 212, 27 bases deleted (GGCGGCTGCGGCGGCGGCGGCGGCAGC).
Protein change: p.Ala63_Ala71del.
Molecular consequence: inframe deletion.
Genome position (GRCh38, 1-based): chr2:176,093,076-176,093,102, GGCGGCTGCGGCGGCGGCGGCGGCAGC deleted; deleting any 27 consecutive bases within chr2:176,093,058-176,093,102 gives the same sequence; the c. name uses the placement nearest the transcript's 3' end. VCF-style (leftmost placement, unchanged base first): chr2-176093057-GGGCGGCGGCGGCGGCAGCGGCGGCTGC-G. GRCh37 (hg19) VCF-style: chr2-176957785-GGGCGGCGGCGGCGGCAGCGGCGGCTGC-G.
Identifiers: ClinVar variation 2042530 (VCV002042530.4), dbSNP rs760539494, ClinGen allele CA1976510.

ClinVar aggregate classification (germline): Uncertain significance (1 of 4 stars; one submission).

Submission:

Labcorp Genetics (formerly Invitae), Labcorp
Classification: Uncertain significance. Last evaluated: 2025-01-06. Review status: criteria provided, single submitter. Criteria: Invitae Variant Classification Sherloc (09022015). Collection method: clinical testing. Allele origin: germline.
Comment: This variant, c.186_212del, results in the deletion of 9 amino acid(s) of the HOXD13 protein (p.Ala63_Ala71del), but otherwise preserves the integrity of the reading frame. The frequency data for this variant in the population databases is considered unreliable, as metrics indicate poor data quality at this position in the gnomAD database. This variant has not been reported in the literature in individuals affected with HOXD13-related conditions. ClinVar contains an entry for this variant (Variation ID: 2042530). Experimental studies and prediction algorithms are not available or were not evaluated, and the functional significance of this variant is currently unknown. In summary, the available evidence is currently insufficient to determine the role of this variant in disease. Therefore, it has been classified as a Variant of Uncertain Significance.